The following is an entry in ClinVar:

ClinVar aggregate classification (germline): Pathogenic. Review status: criteria provided, multiple submitters, no conflicts (2 of 4 stars). 4 submissions from 4 submitters: Pathogenic (2). 2 of the submissions do not count toward it. Last evaluated 2024-12-04.

Conditions:
RECQL4-related disorder. Also called: RECQL4-related disorders; RECQL4-related condition.
Rapadilino syndrome. Identifiers: Orphanet 3021, MedGen C1849453, MONDO:0009955, OMIM 266280.
Baller-Gerold syndrome (BGS). Also called: CRANIOSYNOSTOSIS WITH RADIAL DEFECTS. Identifiers: Orphanet 1225, MedGen C0265308, MONDO:0009039, OMIM 218600.

Allele frequency attached by ClinVar (database versions not stated): TOPMed 0.00002; gnomAD exomes 0.00015 and 0.00039; ExAC 0.00034; gnomAD 0.00040 and 0.00043.

Submissions (4):

Labcorp Genetics (formerly Invitae), Labcorp
Classification: Pathogenic for Baller-Gerold syndrome. Last evaluated: 2024-12-04. Review status: criteria provided, single submitter. Criteria: Invitae Variant Classification Sherloc (09022015). Collection method: clinical testing. Allele origin: germline.
Comment: This sequence change affects a splice site in intron 7 of the RECQL4 gene. RNA analysis indicates that disruption of this splice site induces altered splicing and likely results in a shortened protein product. This variant is present in population databases (rs386833843, gnomAD 0.4%). Disruption of this splice site has been observed in individual(s) with RAPADILINO syndrome (PMID: 12952869, 18716613). It is commonly reported in individuals of Finnish ancestry (PMID: 12952869, 18716613). This variant is also known as IVS7+2delT. ClinVar contains an entry for this variant (Variation ID: 56398). Algorithms developed to predict the effect of variants on gene product structure and function are not available or were not evaluated for this variant. Experimental studies have shown that disruption of this splice site affects RECQL4 function (PMID: 17250975, 22885111). Studies have shown that disruption of this splice site results in skipping of exon 7, but is expected to preserve the integrity of the reading-frame (PMID: 12952869, 22885111). For these reasons, this variant has been classified as Pathogenic.

Blueprint Genetics
Classification: Pathogenic for RECQL4-related disorders. Last evaluated: 2024-10-14. Review status: criteria provided, single submitter. Criteria: ACMG Guidelines, 2015. Collection method: clinical testing. Allele origin: germline. Affected: yes. Observed: 5 variant alleles.

OMIM
Classification: Pathogenic for RAPADILINO SYNDROME. Last evaluated: 2003-11-01. Review status: no assertion criteria provided. Collection method: literature only. Allele origin: germline. Not counted in ClinVar's aggregate classification.

Juha Muilu Group; Institute for Molecular Medicine Finland (FIMM)
Classification: Pathogenic for Rapadilino syndrome. Review status: no assertion criteria provided. Collection method: not provided. Allele origin: unknown. Not counted in ClinVar's aggregate classification.
Comment: FinDis database variant: This variant was not found or characterized by our laboratory, data were collected from public sources: see reference
ClinVar note: Converted during submission from pathogenic to Pathogenic.

Literature cited by the submitters: PubMed 12952869 (cited by Labcorp Genetics (formerly Invitae), Labcorp and OMIM); PubMed 18716613 (cited by Labcorp Genetics (formerly Invitae), Labcorp); PubMed 17250975 (cited by Labcorp Genetics (formerly Invitae), Labcorp); PubMed 22885111 (cited by Labcorp Genetics (formerly Invitae), Labcorp).

NM_004260.4(RECQL4):c.1390+2del

Gene: RECQL4 (RecQ like helicase 4; minus strand). Cytogenetic location: 8q24.3.
Variant type: Deletion.
Coding change: c.1390+2del on transcript NM_004260.4 (MANE Select); the canonical splice donor site of the intron after coding-DNA position 1390, one base deleted (T; older notation c.1390+2delT).
Molecular consequence: splice donor variant.
Genome position (GRCh38, 1-based): chr8:144,515,324, A deleted on the plus strand (T on the coding strand, the reverse complement: RECQL4 is on the minus strand). VCF-style (leftmost placement, unchanged base first): chr8-144515323-CA-C. GRCh37 (hg19) VCF-style: chr8-145740707-CA-C.
Other names: c.1390+2delT (NM_004260.3); c.1261+2del (NM_001413025.1); c.1039+2del (NM_001413029.1); c.253+2del (NM_001413032.1, NM_001413027.1, NM_001413031.1 and 2 more transcripts); c.319+2del (NM_001413035.1, NM_001413040.1, NM_001413021.1 and 8 more transcripts); c.1294+2del (NM_001413017.1, NM_001413020.1); c.1390+2del (NM_001413039.1, NM_001413033.1, NM_001413018.1 and 2 more transcripts); c.-78+2del (NM_001413043.1).
Identifiers: ClinVar variation 56398 (VCV000056398.12), dbSNP rs386833843, ClinGen allele CA144324.